The following is an entry in ClinVar:

NM_153240.5(NPHP3):c.1903A>G (p.Met635Val)

Genes: NPHP3 (nephrocystin 3; minus strand), NPHP3-ACAD11 (NPHP3-ACAD11 readthrough (NMD candidate); minus strand). Cytogenetic location: 3q22.1.
Variant type: single nucleotide variant.
Coding change: c.1903A>G on transcript NM_153240.5 (MANE Select); coding-DNA position 1903, A replaced by G.
Protein change: p.Met635Val; replaces methionine 635 with valine.
Molecular consequence: missense variant.
Genome position (GRCh38, 1-based): chr3:132,699,435, T>C on the plus strand (A>G on the coding strand, the complement: NPHP3 is on the minus strand). VCF-style: chr3-132699435-T-C. GRCh37 (hg19) VCF-style: chr3-132418279-T-C.
Other names: short protein forms M635V.
Identifiers: ClinVar variation 578257 (VCV000578257.10), dbSNP rs145166784, ClinGen allele CA2622176.
Genomic context (GRCh38, chr3:132,699,435, plus strand): 5'-CTACATTCACAGAAACAATTACTCTTACATTCACTGGCAGTGGATCTATCAGCCATTTCA[T>C]GTGTTTTTCAACTTGCTTAAAAATATAAAAACAAAATTCAATCTATTAATCAAAATATTT-3'
Protein context (NP_694972.3, residues 625-645): IDQVQQVEKH[Met635Val]KWLIDPLPVN

ClinVar aggregate classification (germline): Uncertain significance. Review status: criteria provided, single submitter (1 of 4 stars). 4 submissions from 4 submitters: Uncertain significance (1). 3 of the submissions do not count toward it. Last evaluated 2025-11-09.

Conditions:
Nephronophthisis. Also called: Juvenile Nephronophthisis. Identifiers: Orphanet 655, MedGen C0687120, MONDO:0019005, HP:0000090.

Allele frequency attached by ClinVar (database versions not stated): TOPMed 0.00002; gnomAD 0.00003; ESP Exome Variant Server 0.00008.
gnomAD v4.1: 39 of 1,610,198 alleles (0.0024%); highest among the groups gnomAD compares: Non-Finnish European, 0.0032%; no homozygotes.

Submissions (4):

Labcorp Genetics (formerly Invitae), Labcorp
Classification: Uncertain significance for Nephronophthisis. Last evaluated: 2025-11-09. Review status: criteria provided, single submitter. Criteria: Invitae Variant Classification Sherloc (09022015). Collection method: clinical testing. Allele origin: germline.
Comment: This sequence change replaces methionine, which is neutral and non-polar, with valine, which is neutral and non-polar, at codon 635 of the NPHP3 protein (p.Met635Val). This variant is present in population databases (rs145166784, gnomAD 0.004%). This variant has not been reported in the literature in individuals affected with NPHP3-related conditions. ClinVar contains an entry for this variant (Variation ID: 578257). Invitae Evidence Modeling of protein sequence and biophysical properties (such as structural, functional, and spatial information, amino acid conservation, physicochemical variation, residue mobility, and thermodynamic stability) indicates that this missense variant is not expected to disrupt NPHP3 protein function with a negative predictive value of 80%. In summary, the available evidence is currently insufficient to determine the role of this variant in disease. Therefore, it has been classified as a Variant of Uncertain Significance.

Clinical Genetics DNA and cytogenetics Diagnostics Lab, Erasmus MC, Erasmus Medical Center
Classification: Uncertain significance. Review status: no assertion criteria provided. Collection method: clinical testing. Allele origin: germline. Affected: yes. Study: VKGL Data-share Consensus. Not counted in ClinVar's aggregate classification.

Clinical Genetics, Academic Medical Center
Classification: Uncertain significance. Review status: no assertion criteria provided. Collection method: clinical testing. Allele origin: germline. Affected: yes. Study: VKGL Data-share Consensus. Not counted in ClinVar's aggregate classification.

Diagnostic Laboratory, Department of Genetics, University Medical Center Groningen
Classification: Uncertain significance. Review status: no assertion criteria provided. Collection method: clinical testing. Allele origin: germline. Affected: yes. Study: VKGL Data-share Consensus. Not counted in ClinVar's aggregate classification.